The following is an entry in ClinVar:

NM_001851.6(COL9A1):c.1341+18T>G

Gene: COL9A1 (collagen type IX alpha 1 chain; minus strand). Cytogenetic location: 6q13.
Variant type: single nucleotide variant.
Coding change: c.1341+18T>G on transcript NM_001851.6 (MANE Select); 18 bases into the intron after coding-DNA position 1341, T replaced by G.
Molecular consequence: intron variant.
Genome position (GRCh38, 1-based): chr6:70,266,699, A>C on the plus strand (T>G on the coding strand, the complement: COL9A1 is on the minus strand). VCF-style: chr6-70266699-A-C. GRCh37 (hg19) VCF-style: chr6-70976402-A-C.
Other names: c.612+18T>G (NM_001377290.1, NM_078485.4, NM_001377289.1).
Identifiers: ClinVar variation 1490791 (VCV001490791.6), dbSNP rs1772039300, ClinGen allele CA1636685487.

ClinVar aggregate classification (germline): Uncertain significance (1 of 4 stars; one submission).

gnomAD v4.1: 1 of 1,602,214 alleles (0.000062%); no homozygotes.

Submission:

Labcorp Genetics (formerly Invitae), Labcorp
Classification: Uncertain significance. Last evaluated: 2022-09-13. Review status: criteria provided, single submitter. Criteria: Invitae Variant Classification Sherloc (09022015). Collection method: clinical testing. Allele origin: germline.
Comment: This variant is not present in population databases (gnomAD no frequency). This sequence change falls in intron 18 of the COL9A1 gene. It does not directly change the encoded amino acid sequence of the COL9A1 protein. This variant has not been reported in the literature in individuals affected with COL9A1-related conditions. ClinVar contains an entry for this variant (Variation ID: 1490791). Algorithms developed to predict the effect of sequence changes on RNA splicing suggest that this variant may create or strengthen a splice site. In summary, the available evidence is currently insufficient to determine the role of this variant in disease. Therefore, it has been classified as a Variant of Uncertain Significance.